The following is an entry in ClinVar:

NM_001363711.2(DUOX2):c.2250C>A (p.Ser750Arg)

Gene: DUOX2 (dual oxidase 2; minus strand). Cytogenetic location: 15q21.1.
Variant type: single nucleotide variant.
Coding change: c.2250C>A on transcript NM_001363711.2 (MANE Select); coding-DNA position 2250, C replaced by A.
Protein change: p.Ser750Arg; replaces serine 750 with arginine.
Molecular consequence: missense variant.
Genome position (GRCh38, 1-based): chr15:45,105,727, G>T on the plus strand (C>A on the coding strand, the complement: DUOX2 is on the minus strand). VCF-style: chr15-45105727-G-T. GRCh37 (hg19) VCF-style: chr15-45397925-G-T.
Other names: c.2250C>A, p.Ser750Arg (NM_014080.5); short protein forms S750R.
Identifiers: ClinVar variation 1422698 (VCV001422698.6), dbSNP rs375397350, ClinGen allele CA392270590.

ClinVar aggregate classification (germline): Uncertain significance (1 of 4 stars; one submission).

gnomAD v4.1: 1 of 1,614,190 alleles (0.000062%); highest among the groups gnomAD compares: Non-Finnish European, 0.000085%; no homozygotes.

Submission:

Labcorp Genetics (formerly Invitae), Labcorp
Classification: Uncertain significance. Last evaluated: 2022-09-19. Review status: criteria provided, single submitter. Criteria: Invitae Variant Classification Sherloc (09022015). Collection method: clinical testing. Allele origin: germline.
Comment: In summary, the available evidence is currently insufficient to determine the role of this variant in disease. Therefore, it has been classified as a Variant of Uncertain Significance. Advanced modeling of protein sequence and biophysical properties (such as structural, functional, and spatial information, amino acid conservation, physicochemical variation, residue mobility, and thermodynamic stability) performed at Invitae indicates that this missense variant is not expected to disrupt DUOX2 protein function. ClinVar contains an entry for this variant (Variation ID: 1422698). This variant has not been reported in the literature in individuals affected with DUOX2-related conditions. This variant is not present in population databases (gnomAD no frequency). This sequence change replaces serine, which is neutral and polar, with arginine, which is basic and polar, at codon 750 of the DUOX2 protein (p.Ser750Arg).